The following is an entry in ClinVar:

NM_000540.3(RYR1):c.7328T>G (p.Ile2443Ser)

Gene: RYR1 (ryanodine receptor 1; plus strand). Cytogenetic location: 19q13.2.
Variant type: single nucleotide variant.
Coding change: c.7328T>G on transcript NM_000540.3 (MANE Select); coding-DNA position 7328, T replaced by G.
Protein change: p.Ile2443Ser; replaces isoleucine 2443 with serine.
Molecular consequence: missense variant.
Genome position (GRCh38, 1-based): chr19:38,500,610, T>G. VCF-style: chr19-38500610-T-G. GRCh37 (hg19) VCF-style: chr19-38991250-T-G.
Other names: c.7328T>G, p.Ile2443Ser (NM_001042723.2); short protein forms I2443S.
Identifiers: ClinVar variation 4802124 (VCV004802124.1).

ClinVar aggregate classification (germline): Uncertain significance (1 of 4 stars; one submission).

Conditions:
RYR1-related disorder. Also called: RYR1-related condition; RYR1-related disorders. Identifiers: MedGen CN239331.

Submission:

Labcorp Genetics (formerly Invitae), Labcorp
Classification: Uncertain significance for RYR1-related disorder. Last evaluated: 2025-11-04. Review status: criteria provided, single submitter. Criteria: Invitae Variant Classification Sherloc (09022015). Collection method: clinical testing. Allele origin: germline.
Comment: This sequence change replaces isoleucine, which is neutral and non-polar, with serine, which is neutral and polar, at codon 2443 of the RYR1 protein (p.Ile2443Ser). This variant is not present in population databases (gnomAD no frequency). This variant has not been reported in the literature in individuals affected with RYR1-related conditions. Invitae Evidence Modeling of protein sequence and biophysical properties (such as structural, functional, and spatial information, amino acid conservation, physicochemical variation, residue mobility, and thermodynamic stability) indicates that this missense variant is expected to disrupt RYR1 protein function with a positive predictive value of 80%. In summary, the available evidence is currently insufficient to determine the role of this variant in disease. Therefore, it has been classified as a Variant of Uncertain Significance.